The following is an entry in ClinVar:

NM_001113378.2(FANCI):c.2191C>T (p.Gln731Ter)

Gene: FANCI (FA complementation group I; plus strand). Cytogenetic location: 15q26.1.
Variant type: single nucleotide variant.
Coding change: c.2191C>T on transcript NM_001113378.2 (MANE Select); coding-DNA position 2191, C replaced by T.
Protein change: p.Gln731Ter; replaces glutamine 731 with a stop codon.
Molecular consequence: nonsense.
Genome position (GRCh38, 1-based): chr15:89,292,963, C>T. VCF-style: chr15-89292963-C-T. GRCh37 (hg19) VCF-style: chr15-89836194-C-T.
Other names: c.1912C>T, p.Gln638Ter (NM_001376910.1); c.2191C>T, p.Gln731Ter (NM_001376911.1, NM_018193.3); short protein forms Q731*, Q638*.
Identifiers: ClinVar variation 2882677 (VCV002882677.3), dbSNP rs1286353775, ClinGen allele CA393749308.

ClinVar aggregate classification (germline): Pathogenic (1 of 4 stars; one submission).

Conditions:
Fanconi anemia (FA). Also called: Fanconi's anemia. Identifiers: Orphanet 84, MedGen C0015625, MeSH D005199, MONDO:0019391.

Allele frequency attached by ClinVar (database versions not stated): gnomAD exomes below 0.00001; gnomAD 0.00001.
gnomAD v4.1: 3 of 1,613,946 alleles (0.00019%); highest among the groups gnomAD compares: Non-Finnish European, 0.00017%; no homozygotes.

Submission:

Labcorp Genetics (formerly Invitae), Labcorp
Classification: Pathogenic for Fanconi anemia. Last evaluated: 2024-01-08. Review status: criteria provided, single submitter. Criteria: Invitae Variant Classification Sherloc (09022015). Collection method: clinical testing. Allele origin: germline.
Comment: This sequence change creates a premature translational stop signal (p.Gln731*) in the FANCI gene. It is expected to result in an absent or disrupted protein product. Loss-of-function variants in FANCI are known to be pathogenic (PMID: 17452773, 17460694). This variant is present in population databases (no rsID available, gnomAD 0.007%). This variant has not been reported in the literature in individuals affected with FANCI-related conditions. Algorithms developed to predict the effect of sequence changes on RNA splicing suggest that this variant may disrupt the consensus splice site. For these reasons, this variant has been classified as Pathogenic.

Literature cited by the submitters: PubMed 17452773; PubMed 17460694.